The following is an entry in ClinVar:

NM_015057.5(MYCBP2):c.6472T>C (p.Leu2158=)

Gene: MYCBP2 (MYC binding protein 2; minus strand). Cytogenetic location: 13q22.3.
Variant type: single nucleotide variant.
Coding change: c.6472T>C on transcript NM_015057.5 (MANE Select); coding-DNA position 6472, T replaced by C.
Protein change: p.Leu2158=; no amino-acid change (leucine 2158 retained).
Molecular consequence: synonymous variant.
Genome position (GRCh38, 1-based): chr13:77,164,529, A>G on the plus strand (T>C on the coding strand, the complement: MYCBP2 is on the minus strand). VCF-style: chr13-77164529-A-G. GRCh37 (hg19) VCF-style: chr13-77738664-A-G.
Identifiers: ClinVar variation 3060673 (VCV003060673.2), dbSNP rs2274547, ClinGen allele CA7009213.

ClinVar aggregate classification (germline): Benign (0 of 4 stars; one submission).

Conditions:
MYCBP2-related disorder. Also called: MYCBP2-related condition.

Allele frequency attached by ClinVar (database versions not stated): ESP Exome Variant Server 0.15216; 1000 Genomes Project 30x 0.22127; 1000 Genomes Project 0.23023; TOPMed 0.15511; gnomAD 0.16554; gnomAD exomes 0.18686; ExAC 0.20323.
gnomAD v4.1: 296,905 of 1,605,472 alleles (18%); highest among the groups gnomAD compares: South Asian, 38%; 31,302 homozygotes.

Submission:

PreventionGenetics, part of Exact Sciences
Classification: Benign for MYCBP2-related condition. Last evaluated: 2019-10-22. Review status: no assertion criteria provided. Collection method: clinical testing. Allele origin: germline.
Comment: This variant is classified as benign based on ACMG/AMP sequence variant interpretation guidelines (Richards et al. 2015 PMID: 25741868, with internal and published modifications).